The following is an entry in ClinVar:

ClinVar aggregate classification (germline): Uncertain significance (1 of 4 stars; one submission).

Conditions:
Familial adenomatous polyposis 1 (FAP1). Also called: FAMILIAL ADENOMATOUS POLYPOSIS 1, ATTENUATED; POLYPOSIS, ADENOMATOUS INTESTINAL. Identifiers: MedGen C2713442, MONDO:0021056, OMIM 175100. Disease mechanism: loss of function.

Submission:

Labcorp Genetics (formerly Invitae), Labcorp
Classification: Uncertain significance for Familial adenomatous polyposis 1. Last evaluated: 2025-09-30. Review status: criteria provided, single submitter. Criteria: Invitae Variant Classification Sherloc (09022015). Collection method: clinical testing. Allele origin: germline.
Comment: This sequence change creates a premature translational stop signal (p.Thr2751Ilefs*6) in the APC gene. While this is not anticipated to result in nonsense mediated decay, it is expected to disrupt the last 93 amino acid(s) of the APC protein. This variant is not present in population databases (gnomAD no frequency). This variant has not been reported in the literature in individuals affected with APC-related conditions. Experimental studies and prediction algorithms are not available or were not evaluated, and the functional significance of this variant is currently unknown. In summary, the available evidence is currently insufficient to determine the role of this variant in disease. Therefore, it has been classified as a Variant of Uncertain Significance.

NM_000038.6(APC):c.8252del (p.Thr2751fs)

Gene: APC (APC regulator of Wnt signaling pathway; plus strand). Cytogenetic location: 5q22.2.
Variant type: Deletion.
Coding change: c.8252del on transcript NM_000038.6 (MANE Select); coding-DNA position 8252, one base deleted (C; older notation c.8252delC).
Protein change: p.Thr2751fs; shifts the reading frame from threonine 2751.
Molecular consequence: frameshift variant. On other transcripts: non-coding transcript variant (2).
Genome position (GRCh38, 1-based): chr5:112,843,846, C deleted. VCF-style (leftmost placement, unchanged base first): chr5-112843845-AC-A. GRCh37 (hg19) VCF-style: chr5-112179542-AC-A.
Other names: c.8168del, p.Thr2723fs (NM_001354899.2); c.8129del, p.Thr2710fs (NM_001354900.2); c.8075del, p.Thr2692fs (NM_001354901.2, NM_001407453.1); c.7979del, p.Thr2660fs (NM_001354902.2); c.7949del, p.Thr2650fs (NM_001354903.2, NM_001407458.1, NM_001407459.1 and 1 more transcripts); c.7874del, p.Thr2625fs (NM_001354904.2); c.7772del, p.Thr2591fs (NM_001354905.2); c.7403del, p.Thr2468fs (NM_001354906.2, NM_001407470.1); and 11 more; short protein forms T2367fs, T2468fs, T2591fs, T2625fs, T2710fs, T2723fs, T2769fs, T2622fs.
Identifiers: ClinVar variation 4728138 (VCV004728138.1).